The following is an entry in ClinVar:

ClinVar aggregate classification (germline): Uncertain significance (1 of 4 stars; one submission).

Conditions:
Fanconi anemia (FA). Also called: Fanconi's anemia. Identifiers: Orphanet 84, MedGen C0015625, MeSH D005199, MONDO:0019391.

Submission:

Labcorp Genetics (formerly Invitae), Labcorp
Classification: Uncertain significance for Fanconi anemia. Last evaluated: 2024-08-17. Review status: criteria provided, single submitter. Criteria: Invitae Variant Classification Sherloc (09022015). Collection method: clinical testing. Allele origin: germline.
Comment: This sequence change replaces glutamine, which is neutral and polar, with proline, which is neutral and non-polar, at codon 159 of the FANCI protein (p.Gln159Pro). This variant is not present in population databases (gnomAD no frequency). This variant has not been reported in the literature in individuals affected with FANCI-related conditions. Invitae Evidence Modeling of protein sequence and biophysical properties (such as structural, functional, and spatial information, amino acid conservation, physicochemical variation, residue mobility, and thermodynamic stability) indicates that this missense variant is expected to disrupt FANCI protein function with a positive predictive value of 80%. In summary, the available evidence is currently insufficient to determine the role of this variant in disease. Therefore, it has been classified as a Variant of Uncertain Significance.

NM_001113378.2(FANCI):c.476A>C (p.Gln159Pro)

Gene: FANCI (FA complementation group I; plus strand). Cytogenetic location: 15q26.1.
Variant type: single nucleotide variant.
Coding change: c.476A>C on transcript NM_001113378.2 (MANE Select); coding-DNA position 476, A replaced by C.
Protein change: p.Gln159Pro; replaces glutamine 159 with proline.
Molecular consequence: missense variant.
Genome position (GRCh38, 1-based): chr15:89,261,851, A>C. VCF-style: chr15-89261851-A-C. GRCh37 (hg19) VCF-style: chr15-89805082-A-C.
Other names: c.197A>C, p.Gln66Pro (NM_001376910.1); c.476A>C, p.Gln159Pro (NM_001376911.1, NM_018193.3); short protein forms Q159P, Q66P.
Identifiers: ClinVar variation 3662686 (VCV003662686.2).